The following is an entry in ClinVar:

ClinVar aggregate classification (germline): Likely benign. Review status: criteria provided, multiple submitters, no conflicts (2 of 4 stars). 5 submissions from 5 submitters: Likely benign (4). 1 of the submissions does not count toward it. Last evaluated 2026-06-15.

Conditions:
MED13L-related disorder. Also called: MED13L-related condition.
Dextro-looped transposition of the great arteries. Also called: Dextrotransposition of the great arteries. Identifiers: Orphanet 860, MedGen C3531771, MONDO:0019443, OMIM 608808, HP:0031348.

Allele frequency attached by ClinVar (database versions not stated): gnomAD exomes 0.00007 and 0.00005; ExAC 0.00012; gnomAD 0.00019; 1000 Genomes Project 0.00020; TOPMed 0.00025; 1000 Genomes Project 30x 0.00031; ESP Exome Variant Server 0.00046.
gnomAD v4.1: 107 of 1,613,870 alleles (0.0066%); highest among the groups gnomAD compares: African/African-American, 0.06%; no homozygotes.

Submissions (5):

Women's Health and Genetics/Laboratory Corporation of America, LabCorp
Classification: Likely benign. Last evaluated: 2026-06-15. Review status: criteria provided, single submitter. Criteria: LabCorp Variant Classification Summary - May 2015. Collection method: clinical testing. Allele origin: germline.

Labcorp Genetics (formerly Invitae), Labcorp
Classification: Likely benign for Dextro-looped transposition of the great arteries. Last evaluated: 2025-09-15. Review status: criteria provided, single submitter. Criteria: Invitae Variant Classification Sherloc (09022015). Collection method: clinical testing. Allele origin: germline.

Blueprint Genetics
Classification: Likely benign. Last evaluated: 2024-06-26. Review status: criteria provided, single submitter. Criteria: ACMG Guidelines, 2015. Collection method: clinical testing. Allele origin: germline.

GeneDx
Classification: Likely benign. Last evaluated: 2020-11-03. Review status: criteria provided, single submitter. Criteria: GeneDx Variant Classification Process June 2021. Collection method: clinical testing. Allele origin: germline. Affected: yes.

PreventionGenetics, part of Exact Sciences
Classification: Likely benign for MED13L-related condition. Last evaluated: 2024-05-08. Review status: no assertion criteria provided. Collection method: clinical testing. Allele origin: germline. Not counted in ClinVar's aggregate classification.
Comment: This variant is classified as likely benign based on ACMG/AMP sequence variant interpretation guidelines (Richards et al. 2015 PMID: 25741868, with internal and published modifications).

NM_015335.5(MED13L):c.4339-10A>G

Gene: MED13L (mediator complex subunit 13L; minus strand). Cytogenetic location: 12q24.21.
Variant type: single nucleotide variant.
Coding change: c.4339-10A>G on transcript NM_015335.5 (MANE Select); 10 bases into the intron before coding-DNA position 4339, A replaced by G.
Molecular consequence: intron variant.
Genome position (GRCh38, 1-based): chr12:115,984,382, T>C on the plus strand (A>G on the coding strand, the complement: MED13L is on the minus strand). VCF-style: chr12-115984382-T-C. GRCh37 (hg19) VCF-style: chr12-116422187-T-C.
Identifiers: ClinVar variation 464492 (VCV000464492.15), dbSNP rs376463996, ClinGen allele CA6810814.
Genomic context (GRCh38, chr12:115,984,382, plus strand): 5'-CCCGTCACGTAGCACTTTGCAGATGGGCTTGTGCTGCCCAAGCCTACACATCTGATATCA[T>C]AGACAAGATCATTAGTTATAACAGGAGCCATTCCTTCATTCAGTACCAATGGTTAGCAAG-3'